The following is an entry in ClinVar:

ClinVar aggregate classification (germline): Pathogenic. Review status: criteria provided, multiple submitters, no conflicts (2 of 4 stars). 2 submissions from 2 submitters: Pathogenic (2). Last evaluated 2025-09-11.

Conditions:
SCN1A-related disorder. Also called: SCN1A-related conditions; SCN1A-related condition; SCN1A-related disorders.
Severe myoclonic epilepsy in infancy (DRVT). Also called: Epileptic encephalopathy, early infantile, 6 (Dravet syndrome); SEVERE MYOCLONIC EPILEPSY OF INFANCY; DEVELOPMENTAL AND EPILEPTIC ENCEPHALOPATHY 6A; Severe Myoclonic Epilepsy in Infancy (SMEI); Dravet syndrome. Identifiers: Orphanet 33069, MedGen C0751122, MONDO:0100135, OMIM 607208.

Submissions (2):

PreventionGenetics, part of Exact Sciences
Classification: Pathogenic for SCN1A-related condition. Last evaluated: 2025-09-11. Review status: criteria provided, single submitter. Criteria: ACMG Guidelines, 2015. Collection method: clinical testing. Allele origin: germline.
Comment: The SCN1A c.992dupT variant is predicted to result in a frameshift and premature protein termination (p.Leu331Phefs*9). This variant has been reported in patients with SCN1A-related disorders, and has been documented as a de novo finding (Mancardi et al. 2006. PubMed ID: 17054684; Ko et al. 2021. PubMed ID: 35087721). This variant has not been reported in a large population database (gnomAD), indicating this variant is rare. Frameshift variants in SCN1A are expected to be pathogenic. This variant is interpreted as pathogenic.

Athena Diagnostics
Classification: Pathogenic for Severe myoclonic epilepsy in infancy. Last evaluated: 2015-07-13. Review status: criteria provided, single submitter. Criteria: Athena Diagnostics Criteria. Collection method: clinical testing. Allele origin: germline. Inheritance: Autosomal dominant inheritance.

Literature cited by the submitters: PubMed 17054684 (cited by Athena Diagnostics).

NM_001165963.4(SCN1A):c.992dup (p.Leu331fs)

Gene: SCN1A (sodium voltage-gated channel alpha subunit 1; minus strand). Cytogenetic location: 2q24.3.
Variant type: Duplication.
Coding change: c.992dup on transcript NM_001165963.4 (MANE Select); coding-DNA position 992, one base duplicated (T; older notation c.992dupT).
Protein change: p.Leu331fs; shifts the reading frame from leucine 331.
Molecular consequence: frameshift variant. On other transcripts: 5 prime UTR variant (1), non-coding transcript variant (1).
Genome position (GRCh38, 1-based): chr2:166,048,922, A duplicated on the plus strand (T on the coding strand, the reverse complement: SCN1A is on the minus strand); the first of 6 consecutive A bases (chr2:166,048,922-166,048,927); duplicating any one gives the same sequence. VCF-style (leftmost placement, unchanged base first): chr2-166048921-T-TA. GRCh37 (hg19) VCF-style: chr2-166905431-T-TA.
Other names: c.992dup, p.Leu331fs (NM_001165964.3, NM_001202435.3, NM_001353948.2 and 10 more transcripts); c.-1434dup (NM_001353961.2); c.992dupT (NM_001202435.1); short protein forms L331fs.
Identifiers: ClinVar variation 217249 (VCV000217249.2), dbSNP rs863225038, ClinGen allele CA325457.